The following is an entry in ClinVar:

ClinVar aggregate classification (germline): Uncertain significance (1 of 4 stars; one submission).

Conditions:
Charcot-Marie-Tooth disease type 4. Also called: Charcot-Marie-Tooth, Type 4; Charcot-Marie-Tooth disease, type IV. Identifiers: Orphanet 64749, MedGen C4082197, MONDO:0018995.

Allele frequency attached by ClinVar (database versions not stated): gnomAD exomes below 0.00001; ExAC 0.00001.
gnomAD v4.1: 3 of 1,614,132 alleles (0.00019%); highest among the groups gnomAD compares: South Asian, 0.0033%; no homozygotes.

Submission:

Labcorp Genetics (formerly Invitae), Labcorp
Classification: Uncertain significance for Charcot-Marie-Tooth disease type 4. Last evaluated: 2021-03-18. Review status: criteria provided, single submitter. Criteria: Invitae Variant Classification Sherloc (09022015). Collection method: clinical testing. Allele origin: germline.
Comment: In summary, the available evidence is currently insufficient to determine the role of this variant in disease. Therefore, it has been classified as a Variant of Uncertain Significance. Advanced modeling of protein sequence and biophysical properties (such as structural, functional, and spatial information, amino acid conservation, physicochemical variation, residue mobility, and thermodynamic stability) performed at Invitae indicates that this missense variant is not expected to disrupt SH3TC2 protein function. This variant has not been reported in the literature in individuals with SH3TC2-related conditions. This variant is present in population databases (rs776962303, ExAC 0.006%). This sequence change replaces glutamine with leucine at codon 1201 of the SH3TC2 protein (p.Gln1201Leu). The glutamine residue is highly conserved and there is a moderate physicochemical difference between glutamine and leucine.

NM_024577.4(SH3TC2):c.3602A>T (p.Gln1201Leu)

Gene: SH3TC2 (SH3 domain and tetratricopeptide repeats 2; minus strand). Cytogenetic location: 5q32.
Variant type: single nucleotide variant.
Coding change: c.3602A>T on transcript NM_024577.4 (MANE Select); coding-DNA position 3602, A replaced by T.
Protein change: p.Gln1201Leu; replaces glutamine 1201 with leucine.
Molecular consequence: missense variant.
Genome position (GRCh38, 1-based): chr5:149,006,954, T>A on the plus strand (A>T on the coding strand, the complement: SH3TC2 is on the minus strand). VCF-style: chr5-149006954-T-A. GRCh37 (hg19) VCF-style: chr5-148386517-T-A.
Other names: short protein forms Q1201L.
Identifiers: ClinVar variation 1517390 (VCV001517390.8), dbSNP rs776962303, ClinGen allele CA3498675.